The following is an entry in ClinVar:

NC_000006.11:g.(?_65767487)_(66006022_?)del

Gene: EYS (eyes shut homolog; minus strand). Cytogenetic location: 6q12.
Variant type: Deletion.
Identifiers: ClinVar variation 3246102 (VCV003246102.1).

ClinVar aggregate classification (germline): Pathogenic (1 of 4 stars; one submission).

Submission:

Labcorp Genetics (formerly Invitae), Labcorp
Classification: Pathogenic. Last evaluated: 2023-12-19. Review status: criteria provided, single submitter. Criteria: Invitae Variant Classification Sherloc (09022015). Collection method: clinical testing. Allele origin: unknown.
Comment: This variant is a gross deletion of the genomic region encompassing exon(s) 12-13 of the EYS gene. This deletion is out-of-frame, and is expected to create a premature termination codon and result in an absent or disrupted protein product. Loss-of-function variants in EYS are known to be pathogenic (PMID: 18836446, 20333770). This variant has not been reported in the literature in individuals affected with EYS-related conditions. For these reasons, this variant has been classified as Pathogenic.

Literature cited by the submitters: PubMed 18836446; PubMed 20333770.